The following is an entry in ClinVar:

NM_004333.6(BRAF):c.1061G>T (p.Arg354Leu)

Genes: BRAF (B-Raf proto-oncogene, serine/threonine kinase; minus strand), LOC126860202 (BRD4-independent group 4 enhancer GRCh37_chr7:140493623-140494822; plus strand). Cytogenetic location: 7q34.
Variant type: single nucleotide variant.
Coding change: c.1061G>T on transcript NM_004333.6 (MANE Select); coding-DNA position 1061, G replaced by T.
Protein change: p.Arg354Leu; replaces arginine 354 with leucine.
Molecular consequence: missense variant.
Genome position (GRCh38, 1-based): chr7:140,794,387, C>A on the plus strand (G>T on the coding strand, the complement: BRAF is on the minus strand). VCF-style: chr7-140794387-C-A. GRCh37 (hg19) VCF-style: chr7-140494187-C-A.
Other names: c.1061G>T, p.Arg354Leu (NM_001354609.2, NM_001374244.1, NM_001374258.1 and 4 more transcripts); c.1070G>T, p.Arg357Leu (NM_001378467.1); c.959G>T, p.Arg320Leu (NM_001378470.1); c.905G>T, p.Arg302Leu (NM_001378472.1, NM_001378473.1); c.797G>T, p.Arg266Leu (NM_001378475.1); short protein forms R266L, R302L, R320L, R354L, R357L.
Identifiers: ClinVar variation 4530170 (VCV004530170.1).
Genomic context (GRCh38, chr7:140,794,387, plus strand): 5'-ATTGTGTTTATATGCACATTGGGAGCTGATGAGGATCGGTCTCGTTGCCCAAATTGATTT[C>A]GATGATCTTCATCTGCTGGTCGGAAGGGCTGTGGAATTGGAATGGATTTTGAAGGAGACG-3'
Protein context (NP_004324.2, residues 344-364): QPFRPADEDH[Arg354Leu]NQFGQRDRSS

ClinVar aggregate classification (somatic clinical impact): Tier II - Potential (1 of 4 stars; one submission).

Conditions:
Ganglioglioma. Also called: Mixed cell tumors containing both neural ganglionic cells and neural glial cell components. Identifiers: Orphanet 251949, MedGen C0206716, MONDO:0016733, HP:0033664.

Submission:

Institute for Genomic Medicine (IGM) Clinical Laboratory, Nationwide Children's Hospital
Classification: Tier II - Potential for Ganglioglioma. Assertion type: diagnostic. Clinical significance: supports diagnosis. Last evaluated: 2023-10-29. Review status: criteria provided, single submitter. Criteria: AMP/ASCO/CAP Guidelines, 2017. Collection method: clinical testing. Allele origin: somatic. Affected: yes.
Comment: Variant has Tier II (potential) clinical significance as a diagnostic inclusion criterion in ganglioglioma, based on the following evidence: 1) Documented in one or more cancer databases (e.g., St. Jude Pecan, COSMIC, CIViC, OncoKB). 2) Appears in one or more well-established professional guidelines (e.g., World Health Organization [WHO]; National Comprehensive Cancer Network [NCCN]) as providing diagnostic, prognostic, or therapeutic information. 3) Diagnostic significance based on multiple small studies (Evidence Level C; PMIDs: 20156809, 29880043, 32289278).

Literature cited by the submitters: PubMed 20156809; PubMed 29880043; PubMed 32289278.